The following is an entry in ClinVar:

NM_006623.4(PHGDH):c.1089del (p.Lys364fs)

Gene: PHGDH (phosphoglycerate dehydrogenase; plus strand). Cytogenetic location: 1p12.
Variant type: Deletion.
Coding change: c.1089del on transcript NM_006623.4 (MANE Select); coding-DNA position 1089, one base deleted (G; older notation c.1089delG).
Protein change: p.Lys364fs; shifts the reading frame from lysine 364.
Molecular consequence: frameshift variant.
Genome position (GRCh38, 1-based): chr1:119,741,777, G deleted. VCF-style (leftmost placement, unchanged base first): chr1-119741776-TG-T. GRCh37 (hg19) VCF-style: chr1-120284399-TG-T.
Other names: short protein forms K364fs.
Identifiers: ClinVar variation 2813247 (VCV002813247.3), dbSNP rs2464195486, ClinGen allele CA2739275210.

ClinVar aggregate classification (germline): Pathogenic (1 of 4 stars; one submission).

Conditions:
PHGDH deficiency. Identifiers: Orphanet 79351, MedGen C1866174, MONDO:0011152, OMIM 601815.

Submission:

Labcorp Genetics (formerly Invitae), Labcorp
Classification: Pathogenic for PHGDH deficiency. Last evaluated: 2022-11-10. Review status: criteria provided, single submitter. Criteria: Invitae Variant Classification Sherloc (09022015). Collection method: clinical testing. Allele origin: germline.
Comment: For these reasons, this variant has been classified as Pathogenic. This variant has not been reported in the literature in individuals affected with PHGDH-related conditions. This variant is not present in population databases (gnomAD no frequency). This sequence change creates a premature translational stop signal (p.Lys364Argfs*7) in the PHGDH gene. It is expected to result in an absent or disrupted protein product. Loss-of-function variants in PHGDH are known to be pathogenic (PMID: 14645240, 24836451).

Literature cited by the submitters: PubMed 14645240; PubMed 24836451.